The following is an entry in ClinVar:

ClinVar aggregate classification (germline): Uncertain significance. Review status: criteria provided, multiple submitters, no conflicts (2 of 4 stars). 3 submissions from 3 submitters: Uncertain significance (3). Last evaluated 2025-09-15.

Conditions:
Cardiovascular phenotype. Identifiers: MedGen CN230736.

Submissions (3):

Labcorp Genetics (formerly Invitae), Labcorp
Classification: Uncertain significance. Last evaluated: 2025-09-15. Review status: criteria provided, single submitter. Criteria: Invitae Variant Classification Sherloc (09022015). Collection method: clinical testing. Allele origin: germline.
Comment: This variant, c.2146_2148del, results in the deletion of 1 amino acid(s) of the ZNF469 protein (p.His716del), but otherwise preserves the integrity of the reading frame. The frequency data for this variant in the population databases is considered unreliable, as metrics indicate poor data quality at this position in the gnomAD database. This variant has not been reported in the literature in individuals affected with ZNF469-related conditions. Experimental studies and prediction algorithms are not available or were not evaluated, and the functional significance of this variant is currently unknown. In summary, the available evidence is currently insufficient to determine the role of this variant in disease. Therefore, it has been classified as a Variant of Uncertain Significance.

Ambry Genetics
Classification: Uncertain significance for Cardiovascular phenotype. Last evaluated: 2023-07-11. Review status: criteria provided, single submitter. Criteria: Ambry Variant Classification Scheme 2023. Collection method: clinical testing. Allele origin: germline.
Comment: The c.2146_2148delCAC variant (also known as p.H716del) is located in coding exon 1 of the ZNF469 gene. This variant results from an in-frame CAC deletion at nucleotide positions 2146 to 2148. This results in the in-frame deletion of a histidine at codon 716. This amino acid position is well conserved in available vertebrate species. In addition, this alteration is predicted to be deleterious by in silico analysis (Choi Y et al. PLoS ONE. 2012; 7(10):e46688). Since supporting evidence is limited at this time, the clinical significance of this alteration remains unclear.

Breakthrough Genomics
Classification: Uncertain significance. Review status: criteria provided, single submitter. Criteria: ACMG Guidelines, 2015. Collection method: not provided. Allele origin: germline. Inheritance: Autosomal recessive inheritance. Affected: yes.

NM_001367624.2(ZNF469):c.2143CAC[1] (p.His716del)

Gene: ZNF469 (zinc finger protein 469; plus strand). Cytogenetic location: 16q24.2.
Variant type: Microsatellite.
Coding change: c.2143CAC[1] on transcript NM_001367624.2 (MANE Select); one copy of the 3-base unit CAC starting at c.2143; the reference has two copies in a row; one copy, 3 bases deleted.
Protein change: p.His716del; deletes histidine 716.
Molecular consequence: inframe deletion.
Genome position (GRCh38, 1-based): chr16:88,429,616-88,429,618, CAC deleted; deleting any 3 consecutive bases within chr16:88,429,613-88,429,618 gives the same sequence; the position shown is the placement nearest the transcript's 3' end. VCF-style (leftmost placement, unchanged base first): chr16-88429612-ACAC-A. GRCh37 (hg19) VCF-style: chr16-88496020-ACAC-A.
Other names: NM_001127464.1:c.2146_2148delCAC; short protein forms H716del.
Identifiers: ClinVar variation 1371959 (VCV001371959.8), dbSNP rs1256206256, ClinGen allele CA624447575.